The following is an entry in ClinVar:

ClinVar aggregate classification (germline): Benign. Review status: criteria provided, multiple submitters, no conflicts (2 of 4 stars). 2 submissions from 2 submitters: Benign (2). Last evaluated 2024-07-31.

Allele frequency attached by ClinVar (database versions not stated): gnomAD 0.08606 and 0.08763; TOPMed 0.09063; 1000 Genomes Project 30x 0.09494; 1000 Genomes Project 0.09685; gnomAD exomes 0.09893.
gnomAD v4.1: 86,614 of 895,238 alleles (9.7%); highest among the groups gnomAD compares: Admixed American, 20%; 4,916 homozygotes.

Submissions (2):

Unidad de Genómica Garrahan, Hospital de Pediatría Garrahan
Classification: Benign. Last evaluated: 2024-07-31. Review status: criteria provided, single submitter. Criteria: ACMG Guidelines, 2015. Collection method: clinical testing. Allele origin: germline. Affected: no. Observed: 19 variant alleles.
Comment: This variant is classified as Benign based on local population frequency. This variant was detected in 20% of patients studied in a panel designed for Epileptic and Developmental Encephalopathy, Progressive Myoclonus Epilepsy and Abnormal Movements and Neurodegeneration with brain iron accumulation. Number of patients: 19. Only high quality variants are reported.

GeneDx
Classification: Benign. Last evaluated: 2018-06-18. Review status: criteria provided, single submitter. Criteria: GeneDx Variant Classification (06012015). Collection method: clinical testing. Allele origin: germline. Affected: yes.
Comment: This variant is considered likely benign or benign based on one or more of the following criteria: it is a conservative change, it occurs at a poorly conserved position in the protein, it is predicted to be benign by multiple in silico algorithms, and/or has population frequency not consistent with disease.

NM_001182.5(ALDH7A1):c.1093+107A>T

Gene: ALDH7A1 (aldehyde dehydrogenase 7 family member A1; minus strand). Cytogenetic location: 5q23.2.
Variant type: single nucleotide variant.
Coding change: c.1093+107A>T on transcript NM_001182.5 (MANE Select); 107 bases into the intron after coding-DNA position 1093, A replaced by T.
Molecular consequence: intron variant.
Genome position (GRCh38, 1-based): chr5:126,555,824, T>A on the plus strand (A>T on the coding strand, the complement: ALDH7A1 is on the minus strand). VCF-style: chr5-126555824-T-A. GRCh37 (hg19) VCF-style: chr5-125891516-T-A.
Other names: c.1008+3416A>T (NM_001202404.2); c.1009+107A>T (NM_001201377.2).
Identifiers: ClinVar variation 675192 (VCV000675192.3), dbSNP rs7713264, ClinGen allele CA12172928.
Genomic context (GRCh38, chr5:126,555,824, plus strand): 5'-GGGTCGAAACCTAGGAGCAGACACGATACACCAAAGCCTAATAACCTGCTTCATGTGCCT[T>A]CACGCCTCTCAGGAAAGGGAAAGAAACTCCAAAACTCAGATCAGAAACACTTGTTAACAA-3'